The following is an entry in ClinVar:

ClinVar aggregate classification (germline): Conflicting classifications of pathogenicity. Review status: criteria provided, conflicting classifications (1 of 4 stars). 7 submissions from 7 submitters: Uncertain significance (5); Benign (1). 1 of the submissions does not count toward it. Last evaluated 2026-09-01.

Conditions:
SETX-related disorder. Also called: SETX-related disorders; SETX-related condition. Identifiers: MedGen CN239403.
Spinocerebellar ataxia, autosomal recessive, with axonal neuropathy 2 (SCAN2). Also called: ATAXIA-OCULOMOTOR APRAXIA 2; Ataxia with Oculomotor Apraxia; Ataxia-ocular apraxia-2; Ataxia with Oculomotor Apraxia Type 2. Identifiers: Orphanet 64753, MedGen C1853761, MONDO:0018996, OMIM 606002.
Amyotrophic lateral sclerosis type 4 (ALS4). Also called: NEURONOPATHY, DISTAL HEREDITARY MOTOR, WITH PYRAMIDAL FEATURES; AMYOTROPHIC LATERAL SCLEROSIS 4, JUVENILE. Identifiers: Orphanet 357043, MedGen C1865409, MONDO:0011223, OMIM 602433.

Allele frequency attached by ClinVar (database versions not stated): gnomAD exomes 0.00004; TOPMed 0.00006.
gnomAD v4.1: 134 of 1,612,968 alleles (0.0083%); highest among the groups gnomAD compares: Non-Finnish European, 0.011%; no homozygotes.

Submissions (7):

CeGaT Center for Human Genetics Tuebingen
Classification: Uncertain significance. Last evaluated: 2026-09-01. Review status: criteria provided, single submitter. Criteria: CeGaT Center For Human Genetics Tuebingen Variant Classification Criteria Version 2. Collection method: clinical testing. Allele origin: germline. Affected: yes. Observed: 4 variant alleles.
Comment: SETX: PM2:Supporting

GeneDx
Classification: Uncertain significance. Last evaluated: 2026-03-31. Review status: criteria provided, single submitter. Criteria: GeneDx Variant Classification Process June 2021. Collection method: clinical testing. Allele origin: germline.
Comment: In silico analysis suggests that this missense variant does not alter protein structure/function; Has not been previously published as pathogenic or benign to our knowledge

Labcorp Genetics (formerly Invitae), Labcorp
Classification: Benign for Amyotrophic lateral sclerosis type 4; Spinocerebellar ataxia, autosomal recessive, with axonal neuropathy 2. Last evaluated: 2025-05-09. Review status: criteria provided, single submitter. Criteria: Invitae Variant Classification Sherloc (09022015). Collection method: clinical testing. Allele origin: germline.

Mayo Clinic Laboratories, Mayo Clinic
Classification: Uncertain significance. Last evaluated: 2024-04-15. Review status: criteria provided, single submitter. Criteria: ACMG Guidelines, 2015. Collection method: clinical testing. Allele origin: germline. Observed: 1 variant allele.
Comment: PM2_moderate

Blueprint Genetics
Classification: Uncertain significance. Last evaluated: 2024-04-05. Review status: criteria provided, single submitter. Criteria: ACMG Guidelines, 2015. Collection method: clinical testing. Allele origin: germline.

Athena Diagnostics
Classification: Uncertain significance. Last evaluated: 2023-11-13. Review status: criteria provided, single submitter. Criteria: Athena Diagnostics Criteria. Collection method: clinical testing. Allele origin: unknown.
Comment: Available data are insufficient to determine the clinical significance of the variant at this time. The frequency of this variant in the general population is uninformative in assessment of its pathogenicity. Computational tools predict that this variant is damaging.

PreventionGenetics, part of Exact Sciences
Classification: Uncertain significance for SETX-related condition. Last evaluated: 2024-02-23. Review status: no assertion criteria provided. Collection method: clinical testing. Allele origin: germline. Not counted in ClinVar's aggregate classification.
Comment: The SETX c.377A>G variant is predicted to result in the amino acid substitution p.His126Arg. To our knowledge, this variant has not been reported in the literature. This variant is reported in 0.0070% of alleles in individuals of European (Non-Finnish) descent in gnomAD. At this time, the clinical significance of this variant is uncertain due to the absence of conclusive functional and genetic evidence.

NM_015046.7(SETX):c.377A>G (p.His126Arg)

Gene: SETX (senataxin; minus strand). Cytogenetic location: 9q34.13.
Variant type: single nucleotide variant.
Coding change: c.377A>G on transcript NM_015046.7 (MANE Select); coding-DNA position 377, A replaced by G.
Protein change: p.His126Arg; replaces histidine 126 with arginine.
Molecular consequence: missense variant.
Genome position (GRCh38, 1-based): chr9:132,346,272, T>C on the plus strand (A>G on the coding strand, the complement: SETX is on the minus strand). VCF-style: chr9-132346272-T-C. GRCh37 (hg19) VCF-style: chr9-135221659-T-C.
Other names: p.His126Arg; c.377A>G, p.His126Arg (NM_001351527.2, NM_001351528.2); short protein forms H126R.
Identifiers: ClinVar variation 872619 (VCV000872619.55), dbSNP rs368932301, ClinGen allele CA5298078.
Genomic context (GRCh38, chr9:132,346,272, plus strand): 5'-ACTAAAATAATAAAACTGATATAACTTGAGGAACCATCAAGATACTCACTAACACGTTCA[T>C]GTAGAAGCAAGTAAGGATATTTCAGTATTTCAAGAAGAGGAACTCGAAGCTTATTTTCAA-3'
Protein context (NP_055861.3, residues 116-136): EILKYPYLLL[His126Arg]ERVNELCVEA